The following is an entry in ClinVar:

ClinVar aggregate classification (germline): Uncertain significance. Review status: criteria provided, multiple submitters, no conflicts (2 of 4 stars). 2 submissions from 2 submitters: Uncertain significance (2). Last evaluated 2025-12-09.

gnomAD v4.1: 28 of 1,609,846 alleles (0.0017%); highest among the groups gnomAD compares: East Asian, 0.0045%; 1 homozygote.

Submissions (2):

Ambry Genetics
Classification: Uncertain significance. Last evaluated: 2025-12-09. Review status: criteria provided, single submitter. Criteria: Ambry Variant Classification Scheme 2023. Collection method: clinical testing. Allele origin: germline.

Women's Health and Genetics/Laboratory Corporation of America, LabCorp
Classification: Uncertain significance. Last evaluated: 2024-11-21. Review status: criteria provided, single submitter. Criteria: LabCorp Variant Classification Summary - May 2015. Collection method: clinical testing. Allele origin: germline.
Comment: Variant summary: POLRMT c.493C>T (p.Arg165Trp) results in a non-conservative amino acid change in the encoded protein sequence. Three of five in-silico tools predict a benign effect of the variant on protein function. The variant allele was found at a frequency of 1.7e-05 in 1603434 control chromosomes in the gnomAD database, including 1 homozygote in the gnomAD database (v4.1 dataset). The occurrence in several carriers and in a homozygote suggests that the variant is likely not causal for a severe, early onset disease phenotype. To our knowledge, no occurrence of c.493C>T in individuals affected with Combined Oxidative Phosphorylation Deficiency 55 and no experimental evidence demonstrating its impact on protein function have been reported. No submitters have cited clinical-significance assessments for this variant to ClinVar. Based on the evidence outlined above, the variant was classified as VUS-possibly benign.

NM_005035.4(POLRMT):c.493C>T (p.Arg165Trp)

Gene: POLRMT (RNA polymerase mitochondrial; minus strand). Cytogenetic location: 19p13.3.
Variant type: single nucleotide variant.
Coding change: c.493C>T on transcript NM_005035.4 (MANE Select); coding-DNA position 493, C replaced by T.
Protein change: p.Arg165Trp; replaces arginine 165 with tryptophan.
Molecular consequence: missense variant. On other transcripts: non-coding transcript variant (1).
Genome position (GRCh38, 1-based): chr19:629,869, G>A on the plus strand (C>T on the coding strand, the complement: POLRMT is on the minus strand). VCF-style: chr19-629869-G-A. GRCh37 (hg19) VCF-style: chr19-629869-G-A.
Other names: c.493C>T, p.Arg165Trp (NM_001407805.1, NM_001407806.1, NM_001407807.1 and 12 more transcripts); c.169C>T, p.Arg57Trp (NM_001407831.1, NM_001407833.1, NM_001407834.1 and 2 more transcripts); c.493C>T (NM_005035.3); short protein forms R165W, R57W.
Identifiers: ClinVar variation 3629933 (VCV003629933.2).
Genomic context (GRCh38, chr19:629,869, plus strand): 5'-TCTCGGGGGCCTGGCGCGTGCAGTCCTCCAGGCACCCGGCCATCTGCTTGCTCAGGAGCC[G>A]GGGCTCCACCTGCAGGCGCCTGGTCAGCGCCTTGAACTCCCCGCTCTGGAATGGCATCTG-3'
Protein context (NP_005026.3, residues 155-175): ALTRRLQVEP[Arg165Trp]LLSKQMAGCL